The following is an entry in ClinVar:

ClinVar aggregate classification (germline): Pathogenic (1 of 4 stars; one submission).

Conditions:
Salla disease (SD). Also called: Less Severe FSASD (Salla Disease); Sialuria, Finnish type; N-acetylneuraminic acid (NANA) storage disease (NSD); Infantile sialic acid storage disorder (ISSD). Identifiers: Orphanet 309334, Orphanet 834, MedGen C1096903, MONDO:0011449, OMIM 604369.

Submission:

Women's Health and Genetics/Laboratory Corporation of America, LabCorp
Classification: Pathogenic for Salla disease. Last evaluated: 2023-08-24. Review status: criteria provided, single submitter. Criteria: LabCorp Variant Classification Summary - May 2015. Collection method: clinical testing. Allele origin: germline.
Comment: Variant summary: SLC17A5 c.952G>T (p.Glu318X) results in a premature termination codon, predicted to cause a truncation of the encoded protein or absence of the protein due to nonsense mediated decay, which are commonly known mechanisms for disease. The variant was absent in 250952 control chromosomes. To our knowledge, no occurrence of c.952G>T in individuals affected with Salla Disease and no experimental evidence demonstrating its impact on protein function have been reported. No submitters have cited clinical-significance assessments for this variant to ClinVar after 2014. Based on the evidence outlined above, the variant was classified as pathogenic.

NM_012434.5(SLC17A5):c.952G>T (p.Glu318Ter)

Gene: SLC17A5 (solute carrier family 17 member 5; minus strand). Cytogenetic location: 6q13.
Variant type: single nucleotide variant.
Coding change: c.952G>T on transcript NM_012434.5 (MANE Select); coding-DNA position 952, G replaced by T.
Protein change: p.Glu318Ter; replaces glutamic acid 318 with a stop codon.
Molecular consequence: nonsense. On other transcripts: intron variant (1).
Genome position (GRCh38, 1-based): chr6:73,621,830, C>A on the plus strand (G>T on the coding strand, the complement: SLC17A5 is on the minus strand). VCF-style: chr6-73621830-C-A. GRCh37 (hg19) VCF-style: chr6-74331553-C-A.
Other names: c.721G>T, p.Glu241Ter (NM_001382629.1); c.952G>T, p.Glu318Ter (NM_001382630.1, NM_001382633.1); c.973G>T, p.Glu325Ter (NM_001382631.1); c.865G>T, p.Glu289Ter (NM_001382632.1); c.949G>T, p.Glu317Ter (NM_001382635.1); c.634G>T, p.Glu212Ter (NM_001382636.1); c.820-6383G>T (NM_001382634.1); short protein forms E212*, E241*, E289*, E317*, E318*, E325*.
Identifiers: ClinVar variation 2581347 (VCV002581347.1), dbSNP rs2533450214, ClinGen allele CA364713260.